The following is an entry in ClinVar:

NM_178857.6(RP1L1):c.1551A>G (p.Gln517=)

Gene: RP1L1 (RP1 like 1). Cytogenetic location: 8p23.1.
Variant type: single nucleotide variant.
Coding change: c.1551A>G on transcript NM_178857.6 (MANE Select); coding-DNA position 1551, A replaced by G.
Protein change: p.Gln517=; no amino-acid change (glutamine 517 retained).
Molecular consequence: synonymous variant.
Genome position (GRCh38, 1-based): chr8:10,612,547, T>C on the plus strand (A>G on the coding strand, the complement: RP1L1 is on the minus strand). VCF-style: chr8-10612547-T-C. GRCh37 (hg19) VCF-style: chr8-10470057-T-C.
Identifiers: ClinVar variation 361371 (VCV000361371.6), dbSNP rs761588903, ClinGen allele CA4625136.

ClinVar aggregate classification (germline): Benign/Likely benign. Review status: criteria provided, multiple submitters, no conflicts (2 of 4 stars). 2 submissions from 2 submitters: Benign (1); Likely benign (1). Last evaluated 2023-10-01.

Conditions:
Occult macular dystrophy (OCMD). Also called: OCCULT MACULAR DYSTROPHY, SUSCEPTIBILITY TO; OMD. Identifiers: Orphanet 247834, MedGen C3150833, MONDO:0013316, OMIM 613587, HP:0030636.
Retinal dystrophy. Also called: Inherited retinal dystrophy. Identifiers: Orphanet 71862, MedGen C0854723, MeSH D058499, MONDO:0019118, HP:0000556.

Allele frequency attached by ClinVar (database versions not stated): ExAC 0.00002.
gnomAD v4.1: 12 of 1,609,398 alleles (0.00075%); highest among the groups gnomAD compares: South Asian, 0.012%; no homozygotes.

Submissions (2):

Dept Of Ophthalmology, Nagoya University
Classification: Likely benign for Retinal dystrophy. Last evaluated: 2023-10-01. Review status: criteria provided, single submitter. Criteria: Submitter's publication. Collection method: research. Allele origin: germline. Affected: yes.

Illumina Laboratory Services, Illumina
Classification: Benign for Occult macular dystrophy. Last evaluated: 2018-01-13. Review status: criteria provided, single submitter. Criteria: ICSL Variant Classification Criteria 13 December 2019. Collection method: clinical testing. Allele origin: germline.
Comment: This variant was observed in the ICSL laboratory as part of a predisposition screen in an ostensibly healthy population. It had not been previously curated by ICSL or reported in the Human Gene Mutation Database (HGMD: prior to June 1st, 2018), and was therefore a candidate for classification through an automated scoring system. Utilizing variant allele frequency, disease prevalence and penetrance estimates, and inheritance mode, an automated score was calculated to assess if this variant is too frequent to cause the disease. Based on the score and internal cut-off values, a variant classified as benign is not then subjected to further curation. The score for this variant resulted in a classification of benign for this disease.